The following is an entry in ClinVar:

ClinVar aggregate classification (germline): Pathogenic (1 of 4 stars; one submission).

Conditions:
Nemaline myopathy 2 (NEM2). Also called: Nemaline myopathy 2, autosomal recessive. Identifiers: MedGen C1850569, MONDO:0009725, OMIM 256030.

Submission:

Myriad Genetics, Inc.
Classification: Pathogenic for Nemaline myopathy 2. Last evaluated: 2025-05-23. Review status: criteria provided, single submitter. Criteria: Myriad Autosomal Dominant, Autosomal Recessive and X-Linked Classification Criteria (2023). Collection method: clinical testing. Allele origin: unknown.
Comment: NM_001271208.1(NEB):c.7839_7842dupGAAG(C2615Efs*35) is expected to be pathogenic in the context of NEB-related nemaline myopathy. This variant is predicted to lead to an abnormal or absent protein product due to the creation of a premature termination codon in NEB, a gene where loss-of-function variants are known to be pathogenic. Please note: this variant was assessed in the context of healthy population screening.

NM_001164508.2(NEB):c.7839_7842dup (p.Cys2615fs)

Gene: NEB (nebulin; minus strand). Cytogenetic location: 2q23.3.
Variant type: Duplication.
Coding change: c.7839_7842dup on transcript NM_001164508.2 (MANE Select); coding-DNA positions 7839 to 7842, 4 bases duplicated (GAAG; older notation c.7839_7842dupGAAG).
Protein change: p.Cys2615fs; shifts the reading frame from cysteine 2615.
Molecular consequence: frameshift variant.
Genome position (GRCh38, 1-based): chr2:151,643,932-151,643,935, CTTC duplicated on the plus strand (GAAG on the coding strand, the reverse complement: NEB is on the minus strand). VCF-style (leftmost placement, unchanged base first): chr2-151643931-A-ACTTC. GRCh37 (hg19) VCF-style: chr2-152500445-A-ACTTC.
Other names: c.7839_7842dup, p.Cys2615fs (NM_001164507.2, NM_001271208.2, NM_004543.5); short protein forms C2615fs.
Identifiers: ClinVar variation 5014497 (VCV005014497.1).